The following is an entry in ClinVar:

NM_198721.4(COL25A1):c.367+82225_367+82226insAAAAAAAAAAAAAAAAAAAACAAAC

Gene: COL25A1 (collagen type XXV alpha 1 chain; minus strand). Cytogenetic location: 4q25.
Variant type: Microsatellite.
Coding change: c.367+82225_367+82226insAAAAAAAAAAAAAAAAAAAACAAAC on transcript NM_198721.4 (MANE Select); bases 82225 to 82226 of the intron after coding-DNA position 367, AAAAAAAAAAAAAAAAAAAACAAAC inserted.
Molecular consequence: intron variant.
Genome position: GRCh38 VCF-style: chr4-109218357-G-GTTTTTTTTTTGTTTGTTTTTTTTTT. GRCh37 (hg19) VCF-style: chr4-110139513-G-GTTTTTTTTTTGTTTGTTTTTTTTTT.
Other names: c.367+82225_367+82226insAAAAAAAAAAAAAAAAAAAACAAAC (NM_032518.4, NM_001256074.3).
Identifiers: ClinVar variation 4281236 (VCV004281236.7).

ClinVar aggregate classification (germline): Likely benign (1 of 4 stars; one submission).

Submission:

CeGaT Center for Human Genetics Tuebingen
Classification: Likely benign. Last evaluated: 2026-08-01. Review status: criteria provided, single submitter. Criteria: CeGaT Center For Human Genetics Tuebingen Variant Classification Criteria Version 2. Collection method: clinical testing. Allele origin: germline. Affected: yes. Observed: 5 variant alleles.
Comment: COL25A1: BS2